The following is an entry in ClinVar:

NM_000548.5(TSC2):c.1257+2_1257+3del

Gene: TSC2 (TSC complex subunit 2; plus strand). Cytogenetic location: 16p13.3.
Variant type: Microsatellite.
Coding change: c.1257+2_1257+3del on transcript NM_000548.5 (MANE Select); the canonical splice donor site of the intron after coding-DNA position 1257 through 3 bases into the intron after coding-DNA position 1257, 2 bases deleted (TG; older notation c.1257+2_1257+3delTG).
Molecular consequence: splice donor variant.
Genome position (GRCh38, 1-based): chr16:2,062,010-2,062,011, TG deleted; deleting any 2 consecutive bases within chr16:2,062,008-2,062,011 gives the same sequence; the c. name uses the placement nearest the transcript's 3' end. VCF-style (leftmost placement, unchanged base first): chr16-2062007-CTG-C. GRCh37 (hg19) VCF-style: chr16-2112008-CTG-C.
Other names: c.1257+2_1257+3del (NM_001114382.3, NM_021055.3, NM_001370405.1 and 3 more transcripts); c.1146+2_1146+3del (NM_001318827.2); c.657+2_657+3del (NM_001318831.2); c.1110+2_1110+3del (NM_001318829.2); c.1290+2_1290+3del (NM_001318832.2); c.1257+2_1257+3delTG (NM_000548.3).
Identifiers: ClinVar variation 659547 (VCV000659547.8), dbSNP rs1596303814, ClinGen allele CA915946233.

ClinVar aggregate classification (germline): Likely pathogenic (1 of 4 stars; one submission).

Conditions:
Tuberous sclerosis 2 (TSC2). Identifiers: Orphanet 805, MedGen C1860707, MONDO:0013199, OMIM 613254.

Submission:

Labcorp Genetics (formerly Invitae), Labcorp
Classification: Likely pathogenic for Tuberous sclerosis 2. Last evaluated: 2022-02-17. Review status: criteria provided, single submitter. Criteria: Invitae Variant Classification Sherloc (09022015). Collection method: clinical testing. Allele origin: germline.
Comment: This sequence change affects a donor splice site in intron 12 of the TSC2 gene. It is expected to disrupt RNA splicing. Variants that disrupt the donor or acceptor splice site typically lead to a loss of protein function (PMID: 16199547), and loss-of-function variants in TSC2 are known to be pathogenic (PMID: 10205261, 17304050). This variant is not present in population databases (gnomAD no frequency). This variant has not been reported in the literature in individuals affected with TSC2-related conditions. ClinVar contains an entry for this variant (Variation ID: 659547). Algorithms developed to predict the effect of sequence changes on RNA splicing suggest that this variant may disrupt the consensus splice site. In summary, the currently available evidence indicates that the variant is pathogenic, but additional data are needed to prove that conclusively. Therefore, this variant has been classified as Likely Pathogenic.

Literature cited by the submitters: PubMed 16199547; PubMed 10205261; PubMed 17304050.